The following is an entry in ClinVar:

NM_172201.2(KCNE2):c.59T>A (p.Ile20Asn)

Genes: KCNE2 (potassium voltage-gated channel subfamily E regulatory subunit 2; plus strand), LOC105372791 (uncharacterized LOC105372791; minus strand). Cytogenetic location: 21q22.11.
Variant type: single nucleotide variant.
Coding change: c.59T>A on transcript NM_172201.2 (MANE Select); coding-DNA position 59, T replaced by A.
Protein change: p.Ile20Asn; replaces isoleucine 20 with asparagine.
Molecular consequence: missense variant.
Genome position (GRCh38, 1-based): chr21:34,370,537, T>A. VCF-style: chr21-34370537-T-A. GRCh37 (hg19) VCF-style: chr21-35742836-T-A.
Other names: c.59T>A (LRG_291t1); short protein forms I20N.
Identifiers: ClinVar variation 67622 (VCV000067622.1), dbSNP rs199473363, ClinGen allele CA329756.

ClinVar aggregate classification (germline): not provided (0 of 4 stars; one submission).

Conditions:
Familial long QT syndrome (RWS). Also called: Congenital long QT syndrome; Romano-Ward syndrome; VENTRICULAR FIBRILLATION WITH PROLONGED QT INTERVAL. Identifiers: Orphanet 768, MedGen C1141890, MONDO:0019171.

Submission:

Cardiovascular Biomedical Research Unit, Royal Brompton & Harefield NHS Foundation Trust
No classification provided. Condition: Familial long QT syndrome. Review status: no classification provided. Collection method: literature only. Allele origin: germline.
Comment: This variant has been reported as associated with Long QT syndrome in the following publications (PMID:19716085). This is a literature report, and does not necessarily reflect the clinical interpretation of the Imperial College / Royal Brompton Cardiovascular Genetics laboratory.

Literature cited by the submitters: PubMed 19716085; PubMed 22581653.